The following is an entry in ClinVar:

ClinVar aggregate classification (germline): Likely pathogenic. Review status: criteria provided, multiple submitters, no conflicts (2 of 4 stars). 2 submissions from 2 submitters: Likely pathogenic (2). Last evaluated 2025-09-03.

Conditions:
Inborn genetic diseases. Identifiers: MedGen C0950123, MeSH D030342.
CSNK2B-related disorder. Also called: CSNK2B-related condition.

Submissions (2):

Ambry Genetics
Classification: Likely pathogenic for Inborn genetic diseases. Last evaluated: 2025-09-03. Review status: criteria provided, single submitter. Criteria: Ambry Variant Classification Scheme 2023. Collection method: clinical testing. Allele origin: germline.
Comment: The c.77A>G (p.D26G) alteration is located in exon 3 (coding exon 2) of the CSNK2B gene. This alteration results from an A to G substitution at nucleotide position 77, causing the aspartic acid (D) at amino acid position 26 to be replaced by a glycine (G). This variant was not reported in population-based cohorts in the Genome Aggregation Database (gnomAD). This amino acid position is highly conserved in available vertebrate species. This missense alteration is located in a region that has a low rate of benign missense variation (Lek, 2016; Firth, 2009). This alteration is predicted to be deleterious by in silico analysis. Based on the available evidence, this alteration is classified as likely pathogenic.

Blueprint Genetics
Classification: Likely pathogenic for CSNK2B-related disorders. Last evaluated: 2020-12-17. Review status: criteria provided, single submitter. Criteria: ACMG Guidelines, 2015. Collection method: clinical testing. Allele origin: germline. Affected: yes. Observed: 1 variant allele.

NM_001320.7(CSNK2B):c.77A>G (p.Asp26Gly)

Gene: CSNK2B (casein kinase 2 beta; plus strand). Cytogenetic location: 6p21.33.
Variant type: single nucleotide variant.
Coding change: c.77A>G on transcript NM_001320.7 (MANE Select); coding-DNA position 77, A replaced by G.
Protein change: p.Asp26Gly; replaces aspartic acid 26 with glycine.
Molecular consequence: missense variant.
Genome position (GRCh38, 1-based): chr6:31,667,872, A>G. VCF-style: chr6-31667872-A-G. GRCh37 (hg19) VCF-style: chr6-31635649-A-G.
Other names: c.77A>G, p.Asp26Gly (NM_001282385.2); short protein forms D26G.
Identifiers: ClinVar variation 4235188 (VCV004235188.2).